The following is an entry in ClinVar:

NM_013382.7(POMT2):c.985C>T (p.His329Tyr)

Gene: POMT2 (protein O-mannosyltransferase 2; minus strand). Cytogenetic location: 14q24.3.
Variant type: single nucleotide variant.
Coding change: c.985C>T on transcript NM_013382.7 (MANE Select); coding-DNA position 985, C replaced by T.
Protein change: p.His329Tyr; replaces histidine 329 with tyrosine.
Molecular consequence: missense variant.
Genome position (GRCh38, 1-based): chr14:77,298,710, G>A on the plus strand (C>T on the coding strand, the complement: POMT2 is on the minus strand). VCF-style: chr14-77298710-G-A. GRCh37 (hg19) VCF-style: chr14-77765053-G-A.
Other names: short protein forms H329Y.
Identifiers: ClinVar variation 1381065 (VCV001381065.4), dbSNP rs2139470461, ClinGen allele CA390519706.
Genomic context (GRCh38, chr14:77,298,710, plus strand): 5'-CTCTGCCTTCTACCTTTGTAATGGCCCAGAGACACTCACGTTCAGGGATGGAAGCATTGT[G>A]CAGGTTGTTCCCTGAAAGCCGGGCCTGGAAGGCAGAACTGAAGAAACCGTCACCAGGGCC-3'
Protein context (NP_037514.2, residues 319-339): FQARLSGNNL[His329Tyr]NASIPEHLAY

ClinVar aggregate classification (germline): Uncertain significance (1 of 4 stars; one submission).

Conditions:
Muscular dystrophy-dystroglycanopathy (congenital with brain and eye anomalies), type A2. Also called: MUSCULAR DYSTROPHY-DYSTROGLYCANOPATHY (CONGENITAL WITH BRAIN AND EYE ANOMALIES), TYPE A, 2; WALKER-WARBURG SYNDROME OR MUSCLE-EYE-BRAIN DISEASE, POMT2-RELATED. Identifiers: Orphanet 588, Orphanet 899, MedGen C3150411, MONDO:0013154, OMIM 613150.
Autosomal recessive limb-girdle muscular dystrophy type 2N. Also called: MUSCULAR DYSTROPHY-DYSTROGLYCANOPATHY, LIMB-GIRDLE, POMT2-RELATED; Muscular dystrophy-dystroglycanopathy (limb-girdle), type C, 2. Identifiers: Orphanet 206559, MedGen C3150418, MONDO:0013162, OMIM 613158.
Muscular dystrophy-dystroglycanopathy (congenital with impaired intellectual development), type B, 2. Also called: MUSCULAR DYSTROPHY, CONGENITAL, POMT2-RELATED; Muscular dystrophy-dystroglycanopathy (congenital with intellectual disability), type B2. Identifiers: MedGen C3150416, MONDO:0013160, OMIM 613156.

Submission:

Labcorp Genetics (formerly Invitae), Labcorp
Classification: Uncertain significance for Muscular dystrophy-dystroglycanopathy (congenital with impaired intellectual development), type B, 2; Muscular dystrophy-dystroglycanopathy (congenital with brain and eye anomalies), type A2; Autosomal recessive limb-girdle muscular dystrophy type 2N. Last evaluated: 2023-05-22. Review status: criteria provided, single submitter. Criteria: Invitae Variant Classification Sherloc (09022015). Collection method: clinical testing. Allele origin: germline.
Comment: This sequence change replaces histidine, which is basic and polar, with tyrosine, which is neutral and polar, at codon 329 of the POMT2 protein (p.His329Tyr). This variant is not present in population databases (gnomAD no frequency). This variant has not been reported in the literature in individuals affected with POMT2-related conditions. ClinVar contains an entry for this variant (Variation ID: 1381065). Advanced modeling of protein sequence and biophysical properties (such as structural, functional, and spatial information, amino acid conservation, physicochemical variation, residue mobility, and thermodynamic stability) performed at Invitae indicates that this missense variant is not expected to disrupt POMT2 protein function. In summary, the available evidence is currently insufficient to determine the role of this variant in disease. Therefore, it has been classified as a Variant of Uncertain Significance.